The following is an entry in ClinVar:

ClinVar aggregate classification (germline): Benign/Likely benign. Review status: criteria provided, multiple submitters, no conflicts (2 of 4 stars). 4 submissions from 4 submitters: Benign (1); Likely benign (2). 1 of the submissions does not count toward it. Last evaluated 2024-10-01.

Conditions:
CHD8-related disorder. Also called: CHD8-related condition; CHD8-related disorders.

Allele frequency attached by ClinVar (database versions not stated): ExAC 0.00002; gnomAD exomes 0.00002; ESP Exome Variant Server 0.00008; 1000 Genomes Project 30x 0.00016; 1000 Genomes Project 0.00020.
gnomAD v4.1: 30 of 1,612,524 alleles (0.0019%); highest among the groups gnomAD compares: Middle Eastern, 0.016%; no homozygotes.

Submissions (4):

CeGaT Center for Human Genetics Tuebingen
Classification: Likely benign. Last evaluated: 2024-10-01. Review status: criteria provided, single submitter. Criteria: CeGaT Center For Human Genetics Tuebingen Variant Classification Criteria Version 2. Collection method: clinical testing. Allele origin: germline. Affected: yes. Observed: 2 variant alleles.
Comment: CHD8: BP4, BP7

Labcorp Genetics (formerly Invitae), Labcorp
Classification: Benign. Last evaluated: 2024-07-15. Review status: criteria provided, single submitter. Criteria: Invitae Variant Classification Sherloc (09022015). Collection method: clinical testing. Allele origin: germline.

GeneDx
Classification: Likely benign. Last evaluated: 2021-02-11. Review status: criteria provided, single submitter. Criteria: GeneDx Variant Classification Process June 2021. Collection method: clinical testing. Allele origin: germline. Affected: yes.

PreventionGenetics, part of Exact Sciences
Classification: Likely benign for CHD8-related condition. Last evaluated: 2019-04-16. Review status: no assertion criteria provided. Collection method: clinical testing. Allele origin: germline. Not counted in ClinVar's aggregate classification.
Comment: This variant is classified as likely benign based on ACMG/AMP sequence variant interpretation guidelines (Richards et al. 2015 PMID: 25741868, with internal and published modifications).

NM_001170629.2(CHD8):c.3396C>T (p.Ala1132=)

Gene: CHD8 (chromodomain helicase DNA binding protein 8; minus strand). Cytogenetic location: 14q11.2.
Variant type: single nucleotide variant.
Coding change: c.3396C>T on transcript NM_001170629.2 (MANE Select); coding-DNA position 3396, C replaced by T.
Protein change: p.Ala1132=; no amino-acid change (alanine 1132 retained).
Molecular consequence: synonymous variant.
Genome position (GRCh38, 1-based): chr14:21,403,575, G>A on the plus strand (C>T on the coding strand, the complement: CHD8 is on the minus strand). VCF-style: chr14-21403575-G-A. GRCh37 (hg19) VCF-style: chr14-21871734-G-A.
Other names: c.2559C>T, p.Ala853= (NM_020920.4).
Identifiers: ClinVar variation 1254139 (VCV001254139.37), dbSNP rs200180762, ClinGen allele CA7091415.
Genomic context (GRCh38, chr14:21,403,575, plus strand): 5'-AACTTTATGGCCACCAGCTTTAAGCTTTGGAAGCAACTTGTCAATAAGAACCAGTTTGCC[G>A]GCTGAACGAACCATGGCCTGCAGGTGAAAGTCATGAGGTATAATATGGCAAGCTTCACGG-3'
Protein context (NP_001164100.1, residues 1122-1142): DFHLQAMVRS[Ala1132=]GKLVLIDKLL